The following is an entry in ClinVar:

ClinVar aggregate classification (germline): Uncertain significance. Review status: criteria provided, multiple submitters, no conflicts (2 of 4 stars). 2 submissions from 2 submitters: Uncertain significance (2). Last evaluated 2024-08-02.

Conditions:
Inborn genetic diseases. Identifiers: MedGen C0950123, MeSH D030342.
Gamma-aminobutyric acid transaminase deficiency (GABATD). Also called: GABA aminotransaminase deficiency; GABA transaminase deficiency; Gamma aminobutyrate transaminase deficiency; 4 alpha aminobutyrate transaminase deficiency. Identifiers: Orphanet 2066, MedGen C0342708, MONDO:0013166, OMIM 613163.

Allele frequency attached by ClinVar (database versions not stated): TOPMed below 0.00001; gnomAD exomes 0.00001.
gnomAD v4.1: 10 of 1,614,174 alleles (0.00062%); highest among the groups gnomAD compares: Non-Finnish European, 0.00085%; no homozygotes.

Submissions (2):

Ambry Genetics
Classification: Uncertain significance for Inborn genetic diseases. Last evaluated: 2024-08-02. Review status: criteria provided, single submitter. Criteria: Ambry Variant Classification Scheme 2023. Collection method: clinical testing. Allele origin: germline.
Comment: The c.683C>T (p.T228M) alteration is located in exon 11 (coding exon 10) of the ABAT gene. This alteration results from a C to T substitution at nucleotide position 683, causing the threonine (T) at amino acid position 228 to be replaced by a methionine (M). This variant was not reported in population-based cohorts in the Genome Aggregation Database (gnomAD). This amino acid position is highly conserved in available vertebrate species. This alteration is predicted to be deleterious by in silico analysis. Based on insufficient or conflicting evidence, the clinical significance of this alteration remains unclear.

Labcorp Genetics (formerly Invitae), Labcorp
Classification: Uncertain significance for Gamma-aminobutyric acid transaminase deficiency. Last evaluated: 2023-05-15. Review status: criteria provided, single submitter. Criteria: Invitae Variant Classification Sherloc (09022015). Collection method: clinical testing. Allele origin: germline.
Comment: This variant has not been reported in the literature in individuals affected with ABAT-related conditions. In summary, the available evidence is currently insufficient to determine the role of this variant in disease. Therefore, it has been classified as a Variant of Uncertain Significance. Advanced modeling of protein sequence and biophysical properties (such as structural, functional, and spatial information, amino acid conservation, physicochemical variation, residue mobility, and thermodynamic stability) performed at Invitae indicates that this missense variant is expected to disrupt ABAT protein function. ClinVar contains an entry for this variant (Variation ID: 1462706). This variant is not present in population databases (gnomAD no frequency). This sequence change replaces threonine, which is neutral and polar, with methionine, which is neutral and non-polar, at codon 228 of the ABAT protein (p.Thr228Met).

NM_020686.6(ABAT):c.683C>T (p.Thr228Met)

Gene: ABAT (4-aminobutyrate aminotransferase; plus strand). Cytogenetic location: 16p13.2.
Variant type: single nucleotide variant.
Coding change: c.683C>T on transcript NM_020686.6 (MANE Select); coding-DNA position 683, C replaced by T.
Protein change: p.Thr228Met; replaces threonine 228 with methionine.
Molecular consequence: missense variant.
Genome position (GRCh38, 1-based): chr16:8,768,840, C>T. VCF-style: chr16-8768840-C-T. GRCh37 (hg19) VCF-style: chr16-8862697-C-T.
Other names: c.683C>T, p.Thr228Met (NM_000663.5, NM_001127448.2, NM_001386600.1 and 7 more transcripts); c.620C>T, p.Thr207Met (NM_001386606.1, NM_001386607.1); c.590C>T, p.Thr197Met (NM_001386608.1); c.548C>T, p.Thr183Met (NM_001386610.1, NM_001386611.1); c.485C>T, p.Thr162Met (NM_001386612.1, NM_001386613.1); c.437C>T, p.Thr146Met (NM_001386614.1); c.779C>T, p.Thr260Met (NM_001386615.1); c.683C>T (NM_020686.5); short protein forms T146M, T162M, T183M, T207M, T228M, T197M, T260M.
Identifiers: ClinVar variation 1462706 (VCV001462706.9), dbSNP rs1174585175, ClinGen allele CA394688890.
Genomic context (GRCh38, chr16:8,768,840, plus strand): 5'-GCTTCCCCAAGCCAAGCGTCTGCTTTTCTGTTTTGCTGAACTCAGGTTGCTTAGCGACCA[C>T]GCACTCTAAAGCCATTCACAAGATCGACATCCCTTCCTTTGACTGGCCCATCGCACCGTT-3'
Protein context (NP_065737.2, residues 218-238): HGRTMGCLAT[Thr228Met]HSKAIHKIDI